The following is an entry in ClinVar:

ClinVar aggregate classification (germline): Likely benign. Review status: criteria provided, multiple submitters, no conflicts (2 of 4 stars). 3 submissions from 3 submitters: Likely benign (3). Last evaluated 2025-10-13.

Conditions:
Rienhoff syndrome. Also called: LOEYS-DIETZ SYNDROME 5. Identifiers: MedGen C3810012, MONDO:0014262, OMIM 615582.

Allele frequency attached by ClinVar (database versions not stated): gnomAD exomes 0.00003 and 0.00017; TOPMed 0.00003; ExAC 0.00004; gnomAD 0.00006 and 0.00007; 1000 Genomes Project 30x 0.00047; 1000 Genomes Project 0.00060.
gnomAD v4.1: 252 of 1,614,104 alleles (0.016%); highest among the groups gnomAD compares: East Asian, 0.55%; 3 homozygotes.

Submissions (3):

Labcorp Genetics (formerly Invitae), Labcorp
Classification: Likely benign for Rienhoff syndrome. Last evaluated: 2025-10-13. Review status: criteria provided, single submitter. Criteria: Invitae Variant Classification Sherloc (09022015). Collection method: clinical testing. Allele origin: germline.

Women's Health and Genetics/Laboratory Corporation of America, LabCorp
Classification: Likely benign. Last evaluated: 2025-07-14. Review status: criteria provided, single submitter. Criteria: LabCorp Variant Classification Summary - May 2015. Collection method: clinical testing. Allele origin: germline.
Comment: Variant summary: TGFB3 c.517-6C>G alters a conserved nucleotide located at a position not widely known to affect splicing. Consensus agreement among computation tools predict no significant impact on normal splicing. However, these predictions have yet to be confirmed by functional studies. The variant allele was found at a frequency of 3.2e-05 in 251276 control chromosomes. The available data on variant occurrences in the general population are insufficient to allow any conclusion about variant significance. To our knowledge, no occurrence of c.517-6C>G in individuals affected with Arrhythmogenic Right Ventricular Dysplasia/Cardiomyopathy and no experimental evidence demonstrating its impact on protein function have been reported. ClinVar contains an entry for this variant (Variation ID: 314450). Based on the evidence outlined above, the variant was classified as likely benign.

Blueprint Genetics
Classification: Likely benign. Last evaluated: 2021-02-10. Review status: criteria provided, single submitter. Criteria: ACMG Guidelines, 2015. Collection method: clinical testing. Allele origin: germline.

NM_003239.5(TGFB3):c.517-6C>G

Gene: TGFB3 (transforming growth factor beta 3; minus strand). Cytogenetic location: 14q24.3.
Variant type: single nucleotide variant.
Coding change: c.517-6C>G on transcript NM_003239.5 (MANE Select); 6 bases into the intron before coding-DNA position 517, C replaced by G.
Molecular consequence: intron variant.
Genome position (GRCh38, 1-based): chr14:75,971,261, G>C on the plus strand (C>G on the coding strand, the complement: TGFB3 is on the minus strand). VCF-style: chr14-75971261-G-C. GRCh37 (hg19) VCF-style: chr14-76437604-G-C.
Other names: c.517-6C>G (NM_001329939.2, NM_001329938.2).
Identifiers: ClinVar variation 314450 (VCV000314450.12), dbSNP rs45586636, ClinGen allele CA7280412.
Genomic context (GRCh38, chr14:75,971,261, plus strand): 5'-GATTCTTGCCACCGATATAGCGCTGTTTGGCAATGTGCTCATCTGGCCGAAGGATCTACA[G>C]GGCAGAGAAAGGAGTGAGTACCCGAGACCAGGACAGAGTGCCCCAGAAGATGTCACAATG-3'